The following is an entry in ClinVar:

NM_000136.3(FANCC):c.1501G>A (p.Gly501Ser)

Genes: FANCC (FA complementation group C; minus strand), AOPEP (aminopeptidase O (putative); plus strand). Cytogenetic location: 9q22.32.
Variant type: single nucleotide variant.
Coding change: c.1501G>A on transcript NM_000136.3 (MANE Select); coding-DNA position 1501, G replaced by A.
Protein change: p.Gly501Ser; replaces glycine 501 with serine.
Molecular consequence: missense variant.
Genome position (GRCh38, 1-based): chr9:95,107,098, C>T on the plus strand (G>A on the coding strand, the complement: FANCC is on the minus strand). VCF-style: chr9-95107098-C-T. GRCh37 (hg19) VCF-style: chr9-97869380-C-T.
Other names: c.1501G>A, p.Gly501Ser (NM_001243743.2); short protein forms G501S.
Identifiers: ClinVar variation 1062319 (VCV001062319.12), dbSNP rs746540247, ClinGen allele CA196540048.

ClinVar aggregate classification (germline): Uncertain significance. Review status: criteria provided, multiple submitters, no conflicts (2 of 4 stars). 3 submissions from 3 submitters: Uncertain significance (3). Last evaluated 2024-04-16.

Conditions:
Hereditary cancer-predisposing syndrome. Also called: Hereditary Cancer Syndrome; Hereditary neoplastic syndrome; Neoplastic Syndromes, Hereditary; Tumor predisposition. Identifiers: Orphanet 140162, MedGen C0027672, MeSH D009386, MONDO:0015356.
Fanconi anemia (FA). Also called: Fanconi's anemia. Identifiers: Orphanet 84, MedGen C0015625, MeSH D005199, MONDO:0019391.

Allele frequency attached by ClinVar (database versions not stated): gnomAD exomes 0.00002.
gnomAD v4.1: 13 of 1,614,188 alleles (0.00081%); highest among the groups gnomAD compares: Non-Finnish European, 0.0011%; no homozygotes.

Submissions (3):

GeneDx
Classification: Uncertain significance. Last evaluated: 2024-04-16. Review status: criteria provided, single submitter. Criteria: GeneDx Variant Classification Process June 2021. Collection method: clinical testing. Allele origin: germline. Affected: yes.
Comment: Not observed at significant frequency in large population cohorts (gnomAD); In silico analysis supports that this missense variant has a deleterious effect on protein structure/function; Has not been previously published as pathogenic or benign to our knowledge; This variant is associated with the following publications: (PMID: Gordon2000[Book])

Ambry Genetics
Classification: Uncertain significance for Hereditary cancer-predisposing syndrome. Last evaluated: 2023-09-08. Review status: criteria provided, single submitter. Criteria: Ambry Variant Classification Scheme 2023. Collection method: clinical testing. Allele origin: germline.
Comment: The p.G501S variant (also known as c.1501G>A), located in coding exon 13 of the FANCC gene, results from a G to A substitution at nucleotide position 1501. The glycine at codon 501 is replaced by serine, an amino acid with similar properties. This amino acid position is highly conserved in available vertebrate species. In addition, the in silico prediction for this alteration is inconclusive. Since supporting evidence is limited at this time, the clinical significance of this alteration remains unclear.

Labcorp Genetics (formerly Invitae), Labcorp
Classification: Uncertain significance for Fanconi anemia. Last evaluated: 2022-11-15. Review status: criteria provided, single submitter. Criteria: Invitae Variant Classification Sherloc (09022015). Collection method: clinical testing. Allele origin: germline.
Comment: This variant is not present in population databases (gnomAD no frequency). This sequence change replaces glycine, which is neutral and non-polar, with serine, which is neutral and polar, at codon 501 of the FANCC protein (p.Gly501Ser). This variant has not been reported in the literature in individuals affected with FANCC-related conditions. ClinVar contains an entry for this variant (Variation ID: 1062319). Advanced modeling of protein sequence and biophysical properties (such as structural, functional, and spatial information, amino acid conservation, physicochemical variation, residue mobility, and thermodynamic stability) has been performed at Invitae for this missense variant, however the output from this modeling did not meet the statistical confidence thresholds required to predict the impact of this variant on FANCC protein function. In summary, the available evidence is currently insufficient to determine the role of this variant in disease. Therefore, it has been classified as a Variant of Uncertain Significance.